The following is an entry in ClinVar:

NM_015346.4(ZFYVE26):c.4777G>C (p.Asp1593His)

Gene: ZFYVE26 (zinc finger FYVE-type containing 26; minus strand). Cytogenetic location: 14q24.1.
Variant type: single nucleotide variant.
Coding change: c.4777G>C on transcript NM_015346.4 (MANE Select); coding-DNA position 4777, G replaced by C.
Protein change: p.Asp1593His; replaces aspartic acid 1593 with histidine.
Molecular consequence: missense variant.
Genome position (GRCh38, 1-based): chr14:67,778,146, C>G on the plus strand (G>C on the coding strand, the complement: ZFYVE26 is on the minus strand). VCF-style: chr14-67778146-C-G. GRCh37 (hg19) VCF-style: chr14-68244863-C-G.
Other names: short protein forms D1593H.
Identifiers: ClinVar variation 1046856 (VCV001046856.6), dbSNP rs1286765050, ClinGen allele CA390169032.
Genomic context (GRCh38, chr14:67,778,146, plus strand): 5'-TCCCACCCCAGAAGAAAAATGGAAAGAACTGGGGGCTTACTTGCAGAGCCTTGTCATGAT[C>G]TCTTCTTTCTAGAAGGTGGAGAAGATGCTTTTGATGAAGGCTGATTAAATGTTCTCTTGG-3'
Protein context (NP_056161.2, residues 1583-1603): KHLLHLLERR[Asp1593His]HDKALQLLRR

ClinVar aggregate classification (germline): Uncertain significance (1 of 4 stars; one submission).

Conditions:
Spastic paraplegia. Identifiers: MedGen C0037772, HP:0001258.

Submission:

Labcorp Genetics (formerly Invitae), Labcorp
Classification: Uncertain significance for Spastic paraplegia. Last evaluated: 2021-08-26. Review status: criteria provided, single submitter. Criteria: Invitae Variant Classification Sherloc (09022015). Collection method: clinical testing. Allele origin: germline.
Comment: This sequence change replaces aspartic acid with histidine at codon 1593 of the ZFYVE26 protein (p.Asp1593His). The aspartic acid residue is moderately conserved and there is a moderate physicochemical difference between aspartic acid and histidine. This variant is not present in population databases (ExAC no frequency). This variant has not been reported in the literature in individuals affected with ZFYVE26-related conditions. Algorithms developed to predict the effect of missense changes on protein structure and function are either unavailable or do not agree on the potential impact of this missense change (SIFT: "Deleterious"; PolyPhen-2: "Probably Damaging"; Align-GVGD: "Class C0"). In summary, the available evidence is currently insufficient to determine the role of this variant in disease. Therefore, it has been classified as a Variant of Uncertain Significance.